The following is an entry in ClinVar:

ClinVar aggregate classification (germline): Likely benign (1 of 4 stars; one submission).

gnomAD v4.1: 28 of 1,547,642 alleles (0.0018%); highest among the groups gnomAD compares: Admixed American, 0.039%; no homozygotes.

Submission:

CeGaT Center for Human Genetics Tuebingen
Classification: Likely benign. Last evaluated: 2026-05-01. Review status: criteria provided, single submitter. Criteria: CeGaT Center For Human Genetics Tuebingen Variant Classification Criteria Version 2. Collection method: clinical testing. Allele origin: germline. Affected: yes. Observed: 1 variant allele.
Comment: BICRA: BP4, BP7

NM_001394372.1(BICRA):c.351G>A (p.Thr117=)

Gene: BICRA (BRD4 interacting chromatin remodeling complex associated protein; plus strand). Cytogenetic location: 19q13.33.
Variant type: single nucleotide variant.
Coding change: c.351G>A on transcript NM_001394372.1 (MANE Select); coding-DNA position 351, G replaced by A.
Protein change: p.Thr117=; no amino-acid change (threonine 117 retained).
Molecular consequence: synonymous variant.
Genome position (GRCh38, 1-based): chr19:47,679,521, G>A. VCF-style: chr19-47679521-G-A. GRCh37 (hg19) VCF-style: chr19-48182778-G-A.
Other names: c.351G>A, p.Thr117= (NM_015711.3).
Identifiers: ClinVar variation 4873856 (VCV004873856.2).